The following is an entry in ClinVar:

NM_024996.7(GFM1):c.1126G>T (p.Gly376Ter)

Gene: GFM1 (G elongation factor mitochondrial 1; plus strand). Cytogenetic location: 3q25.32.
Variant type: single nucleotide variant.
Coding change: c.1126G>T on transcript NM_024996.7 (MANE Select); coding-DNA position 1126, G replaced by T.
Protein change: p.Gly376Ter; replaces glycine 376 with a stop codon.
Molecular consequence: nonsense. On other transcripts: non-coding transcript variant (4), intron variant (1).
Genome position (GRCh38, 1-based): chr3:158,658,964, G>T. VCF-style: chr3-158658964-G-T. GRCh37 (hg19) VCF-style: chr3-158376753-G-T.
Other names: c.1183G>T, p.Gly395Ter (NM_001308164.2); c.1126G>T, p.Gly376Ter (NM_001308166.2); c.1009G>T, p.Gly337Ter (NM_001374356.1); c.901G>T, p.Gly301Ter (NM_001374357.1); c.667G>T, p.Gly223Ter (NM_001374358.1); c.559G>T, p.Gly187Ter (NM_001374359.1, NM_001374360.1); c.442G>T, p.Gly148Ter (NM_001374361.1); c.1141-1910G>T (NM_001374355.1); short protein forms G187*, G337*, G376*, G395*, G148*, G223*, G301*.
Identifiers: ClinVar variation 1991679 (VCV001991679.4), dbSNP rs2473985654, ClinGen allele CA355177578.

ClinVar aggregate classification (germline): Pathogenic (1 of 4 stars; one submission).

Submission:

Labcorp Genetics (formerly Invitae), Labcorp
Classification: Pathogenic. Last evaluated: 2023-02-04. Review status: criteria provided, single submitter. Criteria: Invitae Variant Classification Sherloc (09022015). Collection method: clinical testing. Allele origin: germline.
Comment: This variant has not been reported in the literature in individuals affected with GFM1-related conditions. For these reasons, this variant has been classified as Pathogenic. This variant is not present in population databases (gnomAD no frequency). This sequence change creates a premature translational stop signal (p.Gly376*) in the GFM1 gene. It is expected to result in an absent or disrupted protein product. Loss-of-function variants in GFM1 are known to be pathogenic (PMID: 16632485, 17160893).

Literature cited by the submitters: PubMed 16632485; PubMed 17160893.